The following is an entry in ClinVar:

NM_000168.6(GLI3):c.1451G>A (p.Trp484Ter)

Gene: GLI3 (GLI family zinc finger 3; minus strand). Cytogenetic location: 7p14.1.
Variant type: single nucleotide variant.
Coding change: c.1451G>A on transcript NM_000168.6 (MANE Select); coding-DNA position 1451, G replaced by A.
Protein change: p.Trp484Ter; replaces tryptophan 484 with a stop codon.
Molecular consequence: nonsense.
Genome position (GRCh38, 1-based): chr7:42,023,514, C>T on the plus strand (G>A on the coding strand, the complement: GLI3 is on the minus strand). VCF-style: chr7-42023514-C-T. GRCh37 (hg19) VCF-style: chr7-42063113-C-T.
Other names: short protein forms W484*.
Identifiers: ClinVar variation 578154 (VCV000578154.6), dbSNP rs1562690271, ClinGen allele CA367323907.

ClinVar aggregate classification (germline): Pathogenic (1 of 4 stars; one submission).

Conditions:
Pallister-Hall syndrome (PHS). Also called: GLI3-Related Pallister-Hall Syndrome; HYPOTHALAMIC HAMARTOBLASTOMA, HYPOPITUITARISM, IMPERFORATE ANUS, AND POSTAXIAL POLYDACTYLY. Identifiers: Orphanet 672, MedGen C0265220, MONDO:0007804, OMIM 146510.
Greig cephalopolysyndactyly syndrome (GCPS). Also called: Greig syndrome; POLYSYNDACTYLY WITH PECULIAR SKULL SHAPE; GLI3-Related Greig Cephalopolysyndactyly Syndrome. Identifiers: Orphanet 380, MedGen C0265306, MONDO:0008287, OMIM 175700.

Submission:

Labcorp Genetics (formerly Invitae), Labcorp
Classification: Pathogenic for Pallister-Hall syndrome; Greig cephalopolysyndactyly syndrome. Last evaluated: 2018-03-18. Review status: criteria provided, single submitter. Criteria: Invitae Variant Classification Sherloc (09022015). Collection method: clinical testing. Allele origin: germline.
Comment: For these reasons, this variant has been classified as Pathogenic. Loss-of-function variants in GLI3 are known to be pathogenic (PMID: 10441570, 15739154). Algorithms developed to predict the effect of sequence changes on RNA splicing suggest that this variant may create or strengthen a splice site, but this prediction has not been confirmed by published transcriptional studies. This variant has not been reported in the literature in individuals with GLI3-related disease. This variant is not present in population databases (ExAC no frequency). This sequence change creates a premature translational stop signal (p.Trp484*) in the GLI3 gene. It is expected to result in an absent or disrupted protein product.

Literature cited by the submitters: PubMed 10441570; PubMed 15739154.